The following is an entry in ClinVar:

NM_018006.5(TRMU):c.83-11C>A

Gene: TRMU (tRNA mitochondrial 2-thiouridylase; plus strand). Cytogenetic location: 22q13.31.
Variant type: single nucleotide variant.
Coding change: c.83-11C>A on transcript NM_018006.5 (MANE Select); 11 bases into the intron before coding-DNA position 83, C replaced by A.
Molecular consequence: intron variant.
Genome position (GRCh38, 1-based): chr22:46,337,768, C>A. VCF-style: chr22-46337768-C-A. GRCh37 (hg19) VCF-style: chr22-46733665-C-A.
Other names: c.83-11C>A (NM_001282785.2); c.-153-11C>A (NM_001282782.2); c.-172-11C>A (NM_001282783.2, NM_001282784.2).
Identifiers: ClinVar variation 388249 (VCV000388249.4), dbSNP rs1057523042, ClinGen allele CA16608193.

ClinVar aggregate classification (germline): Likely benign. Review status: criteria provided, multiple submitters, no conflicts (2 of 4 stars). 2 submissions from 2 submitters: Likely benign (2). Last evaluated 2023-07-31.

Allele frequency attached by ClinVar (database versions not stated): gnomAD exomes below 0.00001; gnomAD 0.00001 and 0.00003.
gnomAD v4.1: 5 of 1,614,226 alleles (0.00031%); highest among the groups gnomAD compares: African/African-American, 0.004%; no homozygotes.

Submissions (2):

Labcorp Genetics (formerly Invitae), Labcorp
Classification: Likely benign. Last evaluated: 2023-07-31. Review status: criteria provided, single submitter. Criteria: Invitae Variant Classification Sherloc (09022015). Collection method: clinical testing. Allele origin: germline.

GeneDx
Classification: Likely benign. Last evaluated: 2016-08-12. Review status: criteria provided, single submitter. Criteria: GeneDx Variant Classification (06012015). Collection method: clinical testing. Allele origin: germline. Affected: yes.
Comment: This variant is considered likely benign or benign based on one or more of the following criteria: it is a conservative change, it occurs at a poorly conserved position in the protein, it is predicted to be benign by multiple in silico algorithms, and/or has population frequency not consistent with disease.